The following is an entry in ClinVar:

NM_205836.3(FBXO38):c.473dup (p.Tyr158Ter)

Gene: FBXO38 (F-box protein 38; plus strand). Cytogenetic location: 5q32.
Variant type: Duplication.
Coding change: c.473dup on transcript NM_205836.3 (MANE Select); coding-DNA position 473, one base duplicated (A; older notation c.473dupA).
Protein change: p.Tyr158Ter; replaces tyrosine 158 with a stop codon.
Molecular consequence: nonsense.
Genome position (GRCh38, 1-based): chr5:148,402,394, A duplicated. VCF-style (leftmost placement, unchanged base first): chr5-148402393-T-TA. GRCh37 (hg19) VCF-style: chr5-147781956-T-TA.
Other names: c.473dup, p.Tyr158Ter (NM_001271723.2, NM_030793.5); short protein forms Y158*.
Identifiers: ClinVar variation 2759723 (VCV002759723.3), dbSNP rs2531709904, ClinGen allele CA2697546538.

ClinVar aggregate classification (germline): Uncertain significance (1 of 4 stars; one submission).

Conditions:
Distal hereditary motor neuropathy type 2. Identifiers: Orphanet 139525, MedGen C3711384, MeSH C580044, MONDO:0015352.

Submission:

Labcorp Genetics (formerly Invitae), Labcorp
Classification: Uncertain significance for Distal hereditary motor neuropathy type 2. Last evaluated: 2023-09-10. Review status: criteria provided, single submitter. Criteria: Invitae Variant Classification Sherloc (09022015). Collection method: clinical testing. Allele origin: germline.
Comment: In summary, the available evidence is currently insufficient to determine the role of this variant in disease. Therefore, it has been classified as a Variant of Uncertain Significance. This variant has not been reported in the literature in individuals affected with FBXO38-related conditions. This variant is not present in population databases (gnomAD no frequency). This sequence change creates a premature translational stop signal (p.Tyr158*) in the FBXO38 gene. It is expected to result in an absent or disrupted protein product. However, the current clinical and genetic evidence is not sufficient to establish whether loss-of-function variants in FBXO38 cause disease.